The following is an entry in ClinVar:

ClinVar aggregate classification (germline): Benign. Review status: criteria provided, single submitter (1 of 4 stars). 2 submissions from 2 submitters: Benign (1). 1 of the submissions does not count toward it. Last evaluated 2023-01-01.

Conditions:
UBR4-related disorder. Also called: UBR4-related condition.

Allele frequency attached by ClinVar (database versions not stated): 1000 Genomes Project 30x 0.00031; 1000 Genomes Project 0.00040; TOPMed 0.00180; gnomAD 0.00190; ESP Exome Variant Server 0.00246; ExAC 0.00295; gnomAD exomes 0.00323.
gnomAD v4.1: 4,938 of 1,612,626 alleles (0.31%); highest among the groups gnomAD compares: Non-Finnish European, 0.38%; 11 homozygotes.

Submissions (2):

CeGaT Center for Human Genetics Tuebingen
Classification: Benign. Last evaluated: 2023-01-01. Review status: criteria provided, single submitter. Criteria: CeGaT Center For Human Genetics Tuebingen Variant Classification Criteria Version 2. Collection method: clinical testing. Allele origin: germline. Affected: yes. Observed: 1 variant allele.
Comment: UBR4: BP4, BS1, BS2

PreventionGenetics, part of Exact Sciences
Classification: Likely benign for UBR4-related condition. Last evaluated: 2019-07-30. Review status: no assertion criteria provided. Collection method: clinical testing. Allele origin: germline. Not counted in ClinVar's aggregate classification.
Comment: This variant is classified as likely benign based on ACMG/AMP sequence variant interpretation guidelines (Richards et al. 2015 PMID: 25741868, with internal and published modifications).

NM_020765.3(UBR4):c.274+3A>G

Gene: UBR4 (ubiquitin protein ligase E3 component n-recognin 4; minus strand). Cytogenetic location: 1p36.13.
Variant type: single nucleotide variant.
Coding change: c.274+3A>G on transcript NM_020765.3 (MANE Select); 3 bases into the intron after coding-DNA position 274, A replaced by G.
Molecular consequence: intron variant.
Genome position (GRCh38, 1-based): chr1:19,201,715, T>C on the plus strand (A>G on the coding strand, the complement: UBR4 is on the minus strand). VCF-style: chr1-19201715-T-C. GRCh37 (hg19) VCF-style: chr1-19528209-T-C.
Other names: c.274+3A>G (NM_020765.2).
Identifiers: ClinVar variation 2638427 (VCV002638427.25), dbSNP rs61759879, ClinGen allele CA652025.